The following is an entry in ClinVar:

ClinVar aggregate classification (germline): Uncertain significance. Review status: criteria provided, multiple submitters, no conflicts (2 of 4 stars). 2 submissions from 2 submitters: Uncertain significance (2). Last evaluated 2023-09-20.

Conditions:
Absence seizure. Also called: Absence epilepsy. Identifiers: Orphanet 1941, MedGen C0014553.
Myoclonic epilepsy, juvenile, susceptibility to, 1. Also called: Myoclonic Epilepsy, Juvenile, 1; EJM1. Identifiers: MedGen C1850778, MONDO:0020752, OMIM 254770.

Allele frequency attached by ClinVar (database versions not stated): gnomAD 0.00003 and 0.00004; ExAC 0.00004; gnomAD exomes 0.00004 and 0.00008; TOPMed 0.00005.
gnomAD v4.1: 120 of 1,613,962 alleles (0.0074%); highest among the groups gnomAD compares: Non-Finnish European, 0.0092%; no homozygotes.

Submissions (2):

Ambry Genetics
Classification: Uncertain significance. Last evaluated: 2023-09-20. Review status: criteria provided, single submitter. Criteria: Ambry Variant Classification Scheme 2023. Collection method: clinical testing. Allele origin: germline.

Labcorp Genetics (formerly Invitae), Labcorp
Classification: Uncertain significance for Myoclonic epilepsy, juvenile, susceptibility to, 1; Absence seizure. Last evaluated: 2022-02-03. Review status: criteria provided, single submitter. Criteria: Invitae Variant Classification Sherloc (09022015). Collection method: clinical testing. Allele origin: germline.
Comment: This variant is present in population databases (rs770847993, gnomAD 0.008%). In summary, the available evidence is currently insufficient to determine the role of this variant in disease. Therefore, it has been classified as a Variant of Uncertain Significance. Algorithms developed to predict the effect of missense changes on protein structure and function are either unavailable or do not agree on the potential impact of this missense change (SIFT: "Tolerated"; PolyPhen-2: "Possibly Damaging"; Align-GVGD: "Class C0"). ClinVar contains an entry for this variant (Variation ID: 864717). This variant has not been reported in the literature in individuals affected with EFHC1-related conditions. This sequence change replaces alanine, which is neutral and non-polar, with threonine, which is neutral and polar, at codon 445 of the EFHC1 protein (p.Ala445Thr).

NM_018100.4(EFHC1):c.1333G>A (p.Ala445Thr)

Gene: EFHC1 (EF-hand domain containing 1; plus strand). Cytogenetic location: 6p12.2.
Variant type: single nucleotide variant.
Coding change: c.1333G>A on transcript NM_018100.4 (MANE Select); coding-DNA position 1333, G replaced by A.
Protein change: p.Ala445Thr; replaces alanine 445 with threonine.
Molecular consequence: missense variant. On other transcripts: non-coding transcript variant (1).
Genome position (GRCh38, 1-based): chr6:52,479,091, G>A. VCF-style: chr6-52479091-G-A. GRCh37 (hg19) VCF-style: chr6-52343889-G-A.
Other names: c.1276G>A, p.Ala426Thr (NM_001172420.2); short protein forms A426T, A445T.
Identifiers: ClinVar variation 864717 (VCV000864717.12), dbSNP rs770847993, ClinGen allele CA3856066.
Genomic context (GRCh38, chr6:52,479,091, plus strand): 5'-TTGTAGGAATCCCCCATCCCAGAAGACAAAGACCGCAGATTTGTCTTCTCTTACTTTCTA[G>A]CTACCGACATGATCAGTATCTTTGAGCCTCCTGTTCGCAATTCTGGTATCATTGGGGGCA-3'
Protein context (NP_060570.2, residues 435-455): DRRFVFSYFL[Ala445Thr]TDMISIFEPP